The following is an entry in ClinVar:

ClinVar aggregate classification (germline): Uncertain significance (1 of 4 stars; one submission).

Conditions:
Dilated cardiomyopathy 1AA (CMD1AA). Also called: CARDIOMYOPATHY, DILATED, 1AA, WITH OR WITHOUT LEFT VENTRICULAR NONCOMPACTION; CARDIOMYOPATHY, FAMILIAL HYPERTROPHIC, 23, WITH OR WITHOUT LEFT VENTRICULAR NONCOMPACTION; Cardiomyopathy, dilated, 1AA, with or without LVNC. Identifiers: Orphanet 154, MedGen C2677338, MONDO:0012808, OMIM 612158.
Primary familial hypertrophic cardiomyopathy (HCM). Identifiers: Orphanet 99739, MedGen C0949658, MeSH D024741, MONDO:0024573. Inheritance: Various modes of inheritance.

Allele frequency attached by ClinVar (database versions not stated): gnomAD exomes below 0.00001.
gnomAD v4.1: 4 of 1,614,170 alleles (0.00025%); highest among the groups gnomAD compares: Non-Finnish European, 0.00034%; no homozygotes.

Submission:

Labcorp Genetics (formerly Invitae), Labcorp
Classification: Uncertain significance for Primary familial hypertrophic cardiomyopathy; Dilated cardiomyopathy 1AA. Last evaluated: 2024-03-22. Review status: criteria provided, single submitter. Criteria: Invitae Variant Classification Sherloc (09022015). Collection method: clinical testing. Allele origin: germline.
Comment: This sequence change falls in intron 13 of the ACTN2 gene. It does not directly change the encoded amino acid sequence of the ACTN2 protein. It affects a nucleotide within the consensus splice site. This variant is not present in population databases (gnomAD no frequency). This variant has not been reported in the literature in individuals affected with ACTN2-related conditions. ClinVar contains an entry for this variant (Variation ID: 1383475). Variants that disrupt the consensus splice site are a relatively common cause of aberrant splicing (PMID: 17576681, 9536098). Algorithms developed to predict the effect of sequence changes on RNA splicing suggest that this variant is not likely to affect RNA splicing. In summary, the available evidence is currently insufficient to determine the role of this variant in disease. Therefore, it has been classified as a Variant of Uncertain Significance.

Literature cited by the submitters: PubMed 17576681; PubMed 9536098.

NM_001103.4(ACTN2):c.1516-3T>C

Gene: ACTN2 (actinin alpha 2; plus strand). Cytogenetic location: 1q43.
Variant type: single nucleotide variant.
Coding change: c.1516-3T>C on transcript NM_001103.4 (MANE Select); 3 bases into the intron before coding-DNA position 1516, T replaced by C.
Molecular consequence: intron variant.
Genome position (GRCh38, 1-based): chr1:236,749,121, T>C. VCF-style: chr1-236749121-T-C. GRCh37 (hg19) VCF-style: chr1-236912421-T-C.
Other names: c.892-3T>C (NM_001278344.2); c.1516-3T>C (NM_001278343.2).
Identifiers: ClinVar variation 1383475 (VCV001383475.4), dbSNP rs2102936291, ClinGen allele CA2573132068.